The following is an entry in ClinVar:

ClinVar aggregate classification (germline): Uncertain significance. Review status: criteria provided, multiple submitters, no conflicts (2 of 4 stars). 2 submissions from 2 submitters: Uncertain significance (2). Last evaluated 2025-12-04.

Conditions:
Inborn genetic diseases. Identifiers: MedGen C0950123, MeSH D030342.
PCNT-related disorder. Also called: PCNT-related condition.

gnomAD v4.1: 4 of 1,614,008 alleles (0.00025%); highest among the groups gnomAD compares: East Asian, 0.0022%; no homozygotes.

Submissions (2):

Ambry Genetics
Classification: Uncertain significance for Inborn genetic diseases. Last evaluated: 2025-12-04. Review status: criteria provided, single submitter. Criteria: Ambry Variant Classification Scheme 2023. Collection method: clinical testing. Allele origin: germline.

PreventionGenetics, part of Exact Sciences
Classification: Uncertain significance for PCNT-related condition. Last evaluated: 2024-12-26. Review status: criteria provided, single submitter. Criteria: ACMG Guidelines, 2015. Collection method: clinical testing. Allele origin: germline.
Comment: The PCNT c.1543G>A variant is predicted to result in the amino acid substitution p.Glu515Lys. To our knowledge, this variant has not been reported in the literature. This variant is reported in 0.0046% of alleles in individuals of European (Finnish) descent in gnomAD. At this time, the clinical significance of this variant is uncertain due to the absence of conclusive functional and genetic evidence.

NM_006031.6(PCNT):c.1543G>A (p.Glu515Lys)

Gene: PCNT (pericentrin; plus strand). Cytogenetic location: 21q22.3.
Variant type: single nucleotide variant.
Coding change: c.1543G>A on transcript NM_006031.6 (MANE Select); coding-DNA position 1543, G replaced by A.
Protein change: p.Glu515Lys; replaces glutamic acid 515 with lysine.
Molecular consequence: missense variant.
Genome position (GRCh38, 1-based): chr21:46,353,190, G>A. VCF-style: chr21-46353190-G-A. GRCh37 (hg19) VCF-style: chr21-47773104-G-A.
Other names: c.1189G>A, p.Glu397Lys (NM_001315529.2); short protein forms E515K, E397K.
Identifiers: ClinVar variation 4627127 (VCV004627127.2).
Genomic context (GRCh38, chr21:46,353,190, plus strand): 5'-ACCTCTCGTGTGGAAGATTTAGAACAGCTGAAGCAGCGAGAAAAAACCCAGCATGAGTCC[G>A]AACTGGAGCAACTGAGGATTTATTTTGAAAAGAAGTTAAGGGATGCTGAGAAAACTTACC-3'
Protein context (NP_006022.3, residues 505-525): KQREKTQHES[Glu515Lys]LEQLRIYFEK